The following is an entry in ClinVar:

NM_152618.3(BBS12):c.152G>C (p.Ser51Thr)

Gene: BBS12 (Bardet-Biedl syndrome 12; plus strand). Cytogenetic location: 4q27.
Variant type: single nucleotide variant.
Coding change: c.152G>C on transcript NM_152618.3 (MANE Select); coding-DNA position 152, G replaced by C.
Protein change: p.Ser51Thr; replaces serine 51 with threonine.
Molecular consequence: missense variant.
Genome position (GRCh38, 1-based): chr4:122,742,044, G>C. VCF-style: chr4-122742044-G-C. GRCh37 (hg19) VCF-style: chr4-123663199-G-C.
Other names: c.152G>C, p.Ser51Thr (NM_001178007.2); short protein forms S51T.
Identifiers: ClinVar variation 968505 (VCV000968505.8), dbSNP rs762558855, ClinGen allele CA3069250.

ClinVar aggregate classification (germline): Uncertain significance. Review status: criteria provided, multiple submitters, no conflicts (2 of 4 stars). 4 submissions from 4 submitters: Uncertain significance (2). 2 of the submissions do not count toward it. Last evaluated 2025-01-15.

Conditions:
Bardet-Biedl syndrome (BBS). Identifiers: Orphanet 110, MedGen C0752166, MONDO:0015229.
BBS12-related disorder. Also called: BBS12-related condition.
Bardet-Biedl syndrome 12 (BBS12). Identifiers: Orphanet 110, MedGen C1859570, MONDO:0014440, OMIM 615989.

Allele frequency attached by ClinVar (database versions not stated): ExAC 0.00002; gnomAD exomes 0.00002; gnomAD 0.00005; TOPMed 0.00005.
gnomAD v4.1: 19 of 1,614,008 alleles (0.0012%); highest among the groups gnomAD compares: African/African-American, 0.015%; no homozygotes.

Submissions (4):

Labcorp Genetics (formerly Invitae), Labcorp
Classification: Uncertain significance for Bardet-Biedl syndrome. Last evaluated: 2025-01-15. Review status: criteria provided, single submitter. Criteria: Invitae Variant Classification Sherloc (09022015). Collection method: clinical testing. Allele origin: germline.
Comment: This sequence change replaces serine, which is neutral and polar, with threonine, which is neutral and polar, at codon 51 of the BBS12 protein (p.Ser51Thr). This variant is present in population databases (rs762558855, gnomAD 0.009%). This variant has not been reported in the literature in individuals affected with BBS12-related conditions. ClinVar contains an entry for this variant (Variation ID: 968505). Invitae Evidence Modeling of protein sequence and biophysical properties (such as structural, functional, and spatial information, amino acid conservation, physicochemical variation, residue mobility, and thermodynamic stability) indicates that this missense variant is not expected to disrupt BBS12 protein function with a negative predictive value of 80%. In summary, the available evidence is currently insufficient to determine the role of this variant in disease. Therefore, it has been classified as a Variant of Uncertain Significance.

Fulgent Genetics
Classification: Uncertain significance for Bardet-Biedl syndrome 12. Last evaluated: 2022-04-09. Review status: criteria provided, single submitter. Criteria: ACMG Guidelines, 2015. Collection method: clinical testing. Allele origin: unknown.

PreventionGenetics, part of Exact Sciences
Classification: Uncertain significance for BBS12-related condition. Last evaluated: 2024-06-17. Review status: no assertion criteria provided. Collection method: clinical testing. Allele origin: germline. Not counted in ClinVar's aggregate classification.
Comment: The BBS12 c.152G>C variant is predicted to result in the amino acid substitution p.Ser51Thr. To our knowledge, this variant has not been reported in the literature. This variant is reported in 0.0087% of alleles in individuals of Latino descent in gnomAD. At this time, the clinical significance of this variant is uncertain due to the absence of conclusive functional and genetic evidence.

Natera, Inc.
Classification: Uncertain significance for Bardet-Biedl syndrome type 12. Last evaluated: 2020-06-26. Review status: no assertion criteria provided. Collection method: clinical testing. Allele origin: germline. Not counted in ClinVar's aggregate classification.